The following is an entry in ClinVar:

NM_002227.4(JAK1):c.1205C>G (p.Ala402Gly)

Gene: JAK1 (Janus kinase 1; minus strand). Cytogenetic location: 1p31.3.
Variant type: single nucleotide variant.
Coding change: c.1205C>G on transcript NM_002227.4 (MANE Select); coding-DNA position 1205, C replaced by G.
Protein change: p.Ala402Gly; replaces alanine 402 with glycine.
Molecular consequence: missense variant.
Genome position (GRCh38, 1-based): chr1:64,860,234, G>C on the plus strand (C>G on the coding strand, the complement: JAK1 is on the minus strand). VCF-style: chr1-64860234-G-C. GRCh37 (hg19) VCF-style: chr1-65325917-G-C.
Other names: c.1205C>G, p.Ala402Gly (NM_001320923.2, NM_001321852.2, NM_001321853.2 and 4 more transcripts); short protein forms A402G.
Identifiers: ClinVar variation 3604518 (VCV003604518.2).
Genomic context (GRCh38, chr1:64,860,234, plus strand): 5'-TAATGATGGGCATCTGCTGTGAGCCGGAAGTAGCCATCTACCAGGGACACAAAGGACAAG[G>C]CCTCCTCGTGGGAAGAGAGCTTCAGTTCCTGTTGAGAGAGAAGAAATTCCCACGGTTACA-3'
Protein context (NP_002218.2, residues 392-412): MELKLSSHEE[Ala402Gly]LSFVSLVDGY

ClinVar aggregate classification (germline): Uncertain significance (1 of 4 stars; one submission).

gnomAD v4.1: 12 of 1,607,730 alleles (0.00075%); highest among the groups gnomAD compares: Non-Finnish European, 0.00085%; no homozygotes.

Submission:

Labcorp Genetics (formerly Invitae), Labcorp
Classification: Uncertain significance. Last evaluated: 2025-10-02. Review status: criteria provided, single submitter. Criteria: Invitae Variant Classification Sherloc (09022015). Collection method: clinical testing. Allele origin: germline.
Comment: This sequence change replaces alanine, which is neutral and non-polar, with glycine, which is neutral and non-polar, at codon 402 of the JAK1 protein (p.Ala402Gly). This variant is present in population databases (rs763069061, gnomAD 0.002%). This variant has not been reported in the literature in individuals affected with JAK1-related conditions. ClinVar contains an entry for this variant (Variation ID: 3604518). Invitae Evidence Modeling of protein sequence and biophysical properties (such as structural, functional, and spatial information, amino acid conservation, physicochemical variation, residue mobility, and thermodynamic stability) has been performed for this missense variant. However, the output from this modeling did not meet the statistical confidence thresholds required to predict the impact of this variant on JAK1 protein function. In summary, the available evidence is currently insufficient to determine the role of this variant in disease. Therefore, it has been classified as a Variant of Uncertain Significance.